The following is an entry in ClinVar:

NM_001845.6(COL4A1):c.2337del (p.Ile780fs)

Gene: COL4A1 (collagen type IV alpha 1 chain; minus strand). Cytogenetic location: 13q34.
Variant type: Deletion.
Coding change: c.2337del on transcript NM_001845.6 (MANE Select); coding-DNA position 2337, one base deleted (G; older notation c.2337delG).
Protein change: p.Ile780fs; shifts the reading frame from isoleucine 780.
Molecular consequence: frameshift variant.
Genome position (GRCh38, 1-based): chr13:110,179,278, C deleted on the plus strand (G on the coding strand, the reverse complement: COL4A1 is on the minus strand); the first of 4 consecutive C bases (chr13:110,179,278-110,179,281); deleting any one gives the same sequence. VCF-style (leftmost placement, unchanged base first): chr13-110179277-TC-T. GRCh37 (hg19) VCF-style: chr13-110831624-TC-T.
Other names: c.2337delG (NM_001845.6); short protein forms I780fs.
Identifiers: ClinVar variation 1319974 (VCV001319974.4), dbSNP rs2139165506, ClinGen allele CA2573053775.

ClinVar aggregate classification (germline): Likely pathogenic (1 of 4 stars; one submission).

Conditions:
Brain small vessel disease 1 with or without ocular anomalies (BSVD1). Also called: GOULD SYNDROME 1; BRAIN SMALL VESSEL DISEASE WITH HEMORRHAGE; Brain small vessel disease with or without ocular anomalies; PORENCEPHALY, TYPE 1, AUTOSOMAL DOMINANT. Identifiers: Orphanet 2940, Orphanet 36383, Orphanet 99810, MedGen C4755307, MONDO:0008289, OMIM 175780.

Submission:

GeneID Lab - Advanced Molecular Diagnostics
Classification: Likely pathogenic for Brain small vessel disease 1 with or without ocular anomalies. Last evaluated: 2019-08-27. Review status: criteria provided, single submitter. Criteria: ACMG Guidelines, 2015. Collection method: clinical testing. Allele origin: germline. Affected: no. Observed: 1 variant allele.
Comment: This variant creates a premature translational stop signal referred to as p.Ile780SerfsTer22 in the COL4A1 gene. It is expected to result in an absent or disrupted protein product. This variant is not reported in the ClinVar Data Base (NCBI), it has not been published in the medical literature before, and it was not found in the gnomAD exomes data base. Based on these findings and the limited literature regarding this substitution we consider it as a “likely pathogenic variant”.